The following is an entry in ClinVar:

NM_020964.3(EPG5):c.6237A>G (p.Gly2079=)

Gene: EPG5 (ectopic P-granules 5 autophagy tethering factor; minus strand). Cytogenetic location: 18q12.3.
Variant type: single nucleotide variant.
Coding change: c.6237A>G on transcript NM_020964.3 (MANE Select); coding-DNA position 6237, A replaced by G.
Protein change: p.Gly2079=; no amino-acid change (glycine 2079 retained).
Molecular consequence: synonymous variant.
Genome position (GRCh38, 1-based): chr18:45,867,737, T>C on the plus strand (A>G on the coding strand, the complement: EPG5 is on the minus strand). VCF-style: chr18-45867737-T-C. GRCh37 (hg19) VCF-style: chr18-43447702-T-C.
Other names: c.6237A>G, p.Gly2079= (NM_001410858.1); c.6234A>G, p.Gly2078= (NM_001410859.1).
Identifiers: ClinVar variation 2720119 (VCV002720119.4), dbSNP rs768380173, ClinGen allele CA8948321.

ClinVar aggregate classification (germline): Likely benign. Review status: criteria provided, multiple submitters, no conflicts (2 of 4 stars). 2 submissions from 2 submitters: Likely benign (2). Last evaluated 2025-10-16.

Conditions:
Vici syndrome (VICIS). Identifiers: Orphanet 1493, MedGen C1855772, MONDO:0009452, OMIM 242840.

Allele frequency attached by ClinVar (database versions not stated): gnomAD exomes below 0.00001; ExAC 0.00001.
gnomAD v4.1: 6 of 1,598,278 alleles (0.00038%); highest among the groups gnomAD compares: Non-Finnish European, 0.00051%; no homozygotes.

Submissions (2):

Labcorp Genetics (formerly Invitae), Labcorp
Classification: Likely benign for Vici syndrome. Last evaluated: 2025-10-16. Review status: criteria provided, single submitter. Criteria: Invitae Variant Classification Sherloc (09022015). Collection method: clinical testing. Allele origin: germline.

Women's Health and Genetics/Laboratory Corporation of America, LabCorp
Classification: Likely benign. Last evaluated: 2024-04-09. Review status: criteria provided, single submitter. Criteria: LabCorp Variant Classification Summary - May 2015. Collection method: clinical testing. Allele origin: germline.
Comment: Variant summary: EPG5 c.6237A>G alters a non-conserved nucleotide resulting in a synonymous change. Consensus agreement among computation tools predict no significant impact on normal splicing. However, these predictions have yet to be confirmed by functional studies. The variant allele was found at a frequency of 1.3e-05 in 237442 control chromosomes. The available data on variant occurrences in the general population are insufficient to allow any conclusion about variant significance. To our knowledge, no occurrence of c.6237A>G in individuals affected with Vici Syndrome and no experimental evidence demonstrating its impact on protein function have been reported. ClinVar contains an entry for this variant (Variation ID: 2720119). Based on the evidence outlined above, the variant was classified as likely benign.